The following is an entry in ClinVar:

ClinVar aggregate classification (germline): Conflicting classifications of pathogenicity. Review status: criteria provided, conflicting classifications (1 of 4 stars). 2 submissions from 2 submitters: Likely pathogenic (1); Uncertain significance (1). Last evaluated 2025-10-31.

Conditions:
Multiple endocrine neoplasia, type 1 (MEN1). Also called: MEN I; WERMER SYNDROME; Endocrine adenomatosis multiple; MEN 1; MEA I. Identifiers: Orphanet 652, MedGen C0025267, MeSH D018761, MONDO:0007540, OMIM 131100.

Submissions (2):

Women's Health and Genetics/Laboratory Corporation of America, LabCorp
Classification: Uncertain significance. Last evaluated: 2025-10-31. Review status: criteria provided, single submitter. Criteria: LabCorp Variant Classification Summary - May 2015. Collection method: clinical testing. Allele origin: germline.
Comment: Variant summary: MEN1 c.498G>C (p.Gln166His) results in a non-conservative amino acid change in the encoded protein sequence. Algorithms developed to predict the effect of missense changes on protein structure and function all suggest that this variant is likely to be disruptive. The variant was absent in 250626 control chromosomes (gnomAD). c.498G>C has been observed in individuals affected with Multiple Endocrine Neoplasia Type 1 (Barzon_2001). These data indicate that the variant may be associated with disease. To our knowledge, no experimental evidence demonstrating an impact on protein function has been reported. The following publication has been ascertained in the context of this evaluation (PMID: 11435815). ClinVar contains an entry for this variant (Variation ID: 2415333). Based on the evidence outlined above, the variant was classified as VUS-possibly pathogenic.

Labcorp Genetics (formerly Invitae), Labcorp
Classification: Likely pathogenic for Multiple endocrine neoplasia, type 1. Last evaluated: 2024-02-14. Review status: criteria provided, single submitter. Criteria: Invitae Variant Classification Sherloc (09022015). Collection method: clinical testing. Allele origin: germline.
Comment: This sequence change replaces glutamine, which is neutral and polar, with histidine, which is basic and polar, at codon 166 of the MEN1 protein (p.Gln166His). This variant is not present in population databases (gnomAD no frequency). This missense change has been observed in individual(s) with multiple endocrine neoplasia type 1 (PMID: 11435815). ClinVar contains an entry for this variant (Variation ID: 2415333). Advanced modeling of protein sequence and biophysical properties (such as structural, functional, and spatial information, amino acid conservation, physicochemical variation, residue mobility, and thermodynamic stability) performed at Invitae indicates that this missense variant is expected to disrupt MEN1 protein function with a positive predictive value of 95%. In summary, the currently available evidence indicates that the variant is pathogenic, but additional data are needed to prove that conclusively. Therefore, this variant has been classified as Likely Pathogenic.

Literature cited by the submitters: PubMed 11435815 (cited by Women's Health and Genetics/Laboratory Corporation of America, LabCorp and Labcorp Genetics (formerly Invitae), Labcorp).

NM_001370259.2(MEN1):c.498G>C (p.Gln166His)

Gene: MEN1 (menin 1; minus strand). Cytogenetic location: 11q13.1.
Variant type: single nucleotide variant.
Coding change: c.498G>C on transcript NM_001370259.2 (MANE Select); coding-DNA position 498, G replaced by C.
Protein change: p.Gln166His; replaces glutamine 166 with histidine.
Molecular consequence: missense variant.
Genome position (GRCh38, 1-based): chr11:64,808,047, C>G on the plus strand (G>C on the coding strand, the complement: MEN1 is on the minus strand). VCF-style: chr11-64808047-C-G. GRCh37 (hg19) VCF-style: chr11-64575519-C-G.
Other names: c.513G>C, p.Gln171His (NM_000244.4, NM_001407145.1, NM_001407150.1 and 5 more transcripts); c.498G>C, p.Gln166His (NM_001370251.2, NM_001370260.2, NM_001370261.2 and 12 more transcripts); short protein forms Q166H, Q171H.
Identifiers: ClinVar variation 2415333 (VCV002415333.7), dbSNP rs2136156789, ClinGen allele CA381186082.
Genomic context (GRCh38, chr11:64,808,047, plus strand): 5'-AAACACTACCCAGGCATGATCCTCAGACAGGGCGAGGTGGACATCCCGGAGACCCAGGGC[C>G]TGGCAGGCCCCAACCACAGCAAAGGCCACACCGGAGCTGTCCAATTTGGTGCCTGTGGAA-3'
Protein context (NP_001357188.2, residues 156-176): GVAFAVVGAC[Gln166His]ALGLRDVHLA